The following is an entry in ClinVar:

ClinVar aggregate classification (germline): Pathogenic (1 of 4 stars; one submission).

Conditions:
Autosomal recessive limb-girdle muscular dystrophy type 2A (LGMDR1). Also called: LEYDEN-MOEBIUS MUSCULAR DYSTROPHY; MUSCULAR DYSTROPHY, PELVOFEMORAL; Limb-girdle muscular dystrophy, type 2A; Calpainopathy; Muscular dystrophy, limb-girdle, type 2A, Amish. Identifiers: Orphanet 267, MedGen C1869123, MONDO:0009675, OMIM 253600. Disease mechanism: loss of function.

Submission:

Labcorp Genetics (formerly Invitae), Labcorp
Classification: Pathogenic for Autosomal recessive limb-girdle muscular dystrophy type 2A. Last evaluated: 2024-02-23. Review status: criteria provided, single submitter. Criteria: Invitae Variant Classification Sherloc (09022015). Collection method: clinical testing. Allele origin: germline.
Comment: This sequence change creates a premature translational stop signal (p.Leu549Serfs*26) in the CAPN3 gene. It is expected to result in an absent or disrupted protein product. Loss-of-function variants in CAPN3 are known to be pathogenic (PMID: 10330340, 15689361). This variant is not present in population databases (gnomAD no frequency). This variant has not been reported in the literature in individuals affected with CAPN3-related conditions. For these reasons, this variant has been classified as Pathogenic.

Literature cited by the submitters: PubMed 10330340; PubMed 15689361.

NM_000070.3(CAPN3):c.1645_1649del (p.Leu549fs)

Gene: CAPN3 (calpain 3; plus strand). Cytogenetic location: 15q15.1.
Variant type: Deletion.
Coding change: c.1645_1649del on transcript NM_000070.3 (MANE Select); coding-DNA positions 1645 to 1649, 5 bases deleted (CTGCC; older notation c.1645_1649delCTGCC).
Protein change: p.Leu549fs; shifts the reading frame from leucine 549.
Molecular consequence: frameshift variant.
Genome position (GRCh38, 1-based): chr15:42,402,902-42,402,906, CTGCC deleted; deleting any 5 consecutive bases within chr15:42,402,901-42,402,906 gives the same sequence; the c. name uses the placement nearest the transcript's 3' end. VCF-style (leftmost placement, unchanged base first): chr15-42402900-GCCTGC-G. GRCh37 (hg19) VCF-style: chr15-42695098-GCCTGC-G.
Other names: c.1645_1649del, p.Leu549fs (NM_024344.2); c.1501_1505del, p.Leu501fs (NM_173087.2); c.109_113del, p.Leu37fs (NM_173088.2); short protein forms L549fs, L501fs, L37fs.
Identifiers: ClinVar variation 3642742 (VCV003642742.2).
Genomic context (GRCh38, chr15:42,402,900, plus strand): 5'-ACGCCTCCAAGGCCAGGAGCAAAACCTACATCAACATGCGGGAGGTGTCCCAGCGCTTCC[GCCTGC>G]CTCCCAGCGAGTACGTCATCGTGCCCTCCACCTACGAGCCCCACCAGGAGGGGGAATTCA-3'